The following is an entry in ClinVar:

NM_002439.5(MSH3):c.2436-3T>A

Gene: MSH3 (mutS homolog 3; plus strand). Cytogenetic location: 5q14.1.
Variant type: single nucleotide variant.
Coding change: c.2436-3T>A on transcript NM_002439.5 (MANE Select); 3 bases into the intron before coding-DNA position 2436, T replaced by A.
Molecular consequence: intron variant.
Genome position (GRCh38, 1-based): chr5:80,787,562, T>A. VCF-style: chr5-80787562-T-A. GRCh37 (hg19) VCF-style: chr5-80083381-T-A.
Identifiers: ClinVar variation 2908218 (VCV002908218.3), dbSNP rs374901174, ClinGen allele CA2739274919.
Genomic context (GRCh38, chr5:80,787,562, plus strand): 5'-GAGCTATTATAGGTTTAAGATATCAGTTTGCTCACCTTTTTGTTGTTGCTGCTGCTTCCG[T>A]AGGAAATTCAGTGAACATTATCACTCCTTGTGTAAAGCAGTGCATCACCTAGCAACTGTT-3'

ClinVar aggregate classification (germline): Uncertain significance (1 of 4 stars; one submission).

Submission:

Labcorp Genetics (formerly Invitae), Labcorp
Classification: Uncertain significance. Last evaluated: 2023-01-25. Review status: criteria provided, single submitter. Criteria: Invitae Variant Classification Sherloc (09022015). Collection method: clinical testing. Allele origin: germline.
Comment: This sequence change falls in intron 17 of the MSH3 gene. It does not directly change the encoded amino acid sequence of the MSH3 protein. It affects a nucleotide within the consensus splice site. In summary, the available evidence is currently insufficient to determine the role of this variant in disease. Therefore, it has been classified as a Variant of Uncertain Significance. Variants that disrupt the consensus splice site are a relatively common cause of aberrant splicing (PMID: 17576681, 9536098). RNA analysis performed to evaluate the impact of this variant on mRNA splicing indicates it does not significantly alter splicing (Invitae). This variant has not been reported in the literature in individuals affected with MSH3-related conditions. This variant is not present in population databases (gnomAD no frequency).

Literature cited by the submitters: PubMed 17576681; PubMed 9536098.